The following is an entry in ClinVar:

ClinVar aggregate classification (germline): Uncertain significance (1 of 4 stars; one submission).

Conditions:
SMARCA2-related disorder. Also called: SMARCA2-related condition.

Submission:

PreventionGenetics, part of Exact Sciences
Classification: Uncertain significance for SMARCA2-related condition. Last evaluated: 2026-06-27. Review status: criteria provided, single submitter. Criteria: ACMG Guidelines, 2015. Collection method: clinical testing. Allele origin: germline.
Comment: The SMARCA2 c.145G>C variant is predicted to result in the amino acid substitution p.Gly49Arg. To our knowledge, this variant has not been reported in the literature or in a large population database (gnomAD), indicating this variant is rare. At this time, the clinical significance of this variant is uncertain due to the absence of conclusive functional and genetic evidence.

NM_003070.5(SMARCA2):c.145G>C (p.Gly49Arg)

Gene: SMARCA2 (SWI/SNF related BAF chromatin remodeling complex subunit ATPase 2; plus strand). Cytogenetic location: 9p24.3.
Variant type: single nucleotide variant.
Coding change: c.145G>C on transcript NM_003070.5 (MANE Select); coding-DNA position 145, G replaced by C.
Protein change: p.Gly49Arg; replaces glycine 49 with arginine.
Molecular consequence: missense variant.
Genome position (GRCh38, 1-based): chr9:2,029,167, G>C. VCF-style: chr9-2029167-G-C. GRCh37 (hg19) VCF-style: chr9-2029167-G-C.
Other names: c.145G>C, p.Gly49Arg (NM_001289396.2, NM_001289397.2, NM_139045.4); short protein forms G49R.
Identifiers: ClinVar variation 4996132 (VCV004996132.1).
Genomic context (GRCh38, chr9:2,029,167, plus strand): 5'-CCTAGTCCAGGACCAGGACCATCCCCAGGTTCCGTCCACAGCATGATGGGGCCAAGTCCT[G>C]GACCTCCAAGTGTCTCCCATCCTATGCCGACGATGGGGTCCACAGACTTCCCACAGGAAG-3'
Protein context (NP_003061.3, residues 39-59): SVHSMMGPSP[Gly49Arg]PPSVSHPMPT